The following is an entry in ClinVar:

ClinVar aggregate classification (germline): Pathogenic/Likely pathogenic. Review status: criteria provided, multiple submitters, no conflicts (2 of 4 stars). 3 submissions from 3 submitters: Pathogenic (1); Likely pathogenic (2). Last evaluated 2025-05-22.

Conditions:
CBL-related disorder. Also called: NOONAN SYNDROME-LIKE DISORDER WITHOUT JUVENILE MYELOMONOCYTIC LEUKEMIA; CBL MUTATION-ASSOCIATED SYNDROME; CBL SYNDROME. Identifiers: Orphanet 363972, MedGen C3150803, MONDO:0013308, OMIM 613563.

Submissions (3):

Institute of Human Genetics, University of Goettingen
Classification: Likely pathogenic for CBL-related disorder. Last evaluated: 2025-05-22. Review status: criteria provided, single submitter. Criteria: ACMG Guidelines, 2015. Collection method: clinical testing. Allele origin: unknown. Affected: yes. Observed: 1 heterozygote.
Comment: PM6 (de novo); PM2_sup (absent from controls); PM4 (in frame deletion in an important region)

Genomic Medicine Center of Excellence, King Faisal Specialist Hospital and Research Centre
Classification: Likely pathogenic for CBL-related disorder. Last evaluated: 2024-09-22. Review status: criteria provided, single submitter. Criteria: ACMG Guidelines, 2015. Collection method: clinical testing. Allele origin: germline.

GeneDx
Classification: Pathogenic. Last evaluated: 2023-09-22. Review status: criteria provided, single submitter. Criteria: GeneDx Variant Classification Process June 2021. Collection method: clinical testing. Allele origin: germline. Affected: yes.
Comment: In-frame deletion of one amino acid in the critical linker region domain (Martinelli 2010, Aranaz 2012); Not observed at significant frequency in large population cohorts (gnomAD); This variant is associated with the following publications: (PMID: 20619386, 22315494, 31130284)

NM_005188.4(CBL):c.1099_1101del (p.Gln367del)

Gene: CBL (Cbl proto-oncogene; plus strand). Cytogenetic location: 11q23.3.
Variant type: Deletion.
Coding change: c.1099_1101del on transcript NM_005188.4 (MANE Select); coding-DNA positions 1099 to 1101, 3 bases deleted (CAA; older notation c.1099_1101delCAA).
Protein change: p.Gln367del; deletes glutamine 367.
Molecular consequence: inframe deletion.
Genome position (GRCh38, 1-based): chr11:119,278,169-119,278,171, CAA deleted; deleting any 3 consecutive bases within chr11:119,278,167-119,278,171 gives the same sequence; the c. name uses the placement nearest the transcript's 3' end. VCF-style (leftmost placement, unchanged base first): chr11-119278166-GAAC-G. GRCh37 (hg19) VCF-style: chr11-119148876-GAAC-G.
Other names: c.1099_1101delCAA (NM_005188.3); c.1099_1101del (NM_005188.2); short protein forms Q367del.
Identifiers: ClinVar variation 523667 (VCV000523667.6), dbSNP rs1555230070, ClinGen allele CA658797814.
Genomic context (GRCh38, chr11:119,278,166, plus strand): 5'-AACATTTATAATTGCAGTTATTTATTCAACTAATAGTCTTTTAATTTTTTTTAATCAAAG[GAAC>G]AATATGAATTATACTGTGAGATGGGCTCCACATTCCAACTATGTAAAATATGTGCTGAAA-3'